The following is an entry in ClinVar:

NM_022455.5(NSD1):c.1775G>A (p.Gly592Asp)

Gene: NSD1 (nuclear receptor binding SET domain protein 1; plus strand). Cytogenetic location: 5q35.3.
Variant type: single nucleotide variant.
Coding change: c.1775G>A on transcript NM_022455.5 (MANE Select); coding-DNA position 1775, G replaced by A.
Protein change: p.Gly592Asp; replaces glycine 592 with aspartic acid.
Molecular consequence: missense variant.
Genome position (GRCh38, 1-based): chr5:177,210,174, G>A. VCF-style: chr5-177210174-G-A. GRCh37 (hg19) VCF-style: chr5-176637175-G-A.
Other names: c.902G>A, p.Gly301Asp (NM_001365684.2, NM_001409306.1, NM_001409307.1 and 3 more transcripts); c.1775G>A, p.Gly592Asp (NM_001409301.1, NM_001409302.1, NM_001409303.1); c.1355G>A, p.Gly452Asp (NM_001409304.1); c.1022G>A, p.Gly341Asp (NM_001409305.1); short protein forms G301D, G341D, G452D, G592D.
Identifiers: ClinVar variation 2576745 (VCV002576745.2), dbSNP rs1763219540, ClinGen allele CA362311269.

ClinVar aggregate classification (germline): Uncertain significance (1 of 4 stars; one submission).

Allele frequency attached by ClinVar (database versions not stated): gnomAD exomes below 0.00001.
gnomAD v4.1: 1 of 1,607,066 alleles (0.000062%); highest among the groups gnomAD compares: African/African-American, 0.0013%; no homozygotes.

Submission:

GeneDx
Classification: Uncertain significance. Last evaluated: 2023-12-07. Review status: criteria provided, single submitter. Criteria: GeneDx Variant Classification Process June 2021. Collection method: clinical testing. Allele origin: germline.
Comment: Not observed at significant frequency in large population cohorts (gnomAD); In silico analysis supports that this missense variant does not alter protein structure/function; Has not been previously published as pathogenic or benign to our knowledge